The following is an entry in ClinVar:

ClinVar aggregate classification (germline): Uncertain significance (1 of 4 stars; one submission).

Conditions:
Congenital factor V deficiency. Also called: LABILE FACTOR DEFICIENCY; OWREN PARAHEMOPHILIA; PARAHEMOPHILIA; Hereditary factor V deficiency disease. Identifiers: Orphanet 326, MedGen C0015499, MONDO:0009210, OMIM 227400.

Submission:

Labcorp Genetics (formerly Invitae), Labcorp
Classification: Uncertain significance for Congenital factor V deficiency. Last evaluated: 2025-10-21. Review status: criteria provided, single submitter. Criteria: Invitae Variant Classification Sherloc (09022015). Collection method: clinical testing. Allele origin: germline.
Comment: This sequence change replaces glycine, which is neutral and non-polar, with arginine, which is basic and polar, at codon 87 of the F5 protein (p.Gly87Arg). This variant is not present in population databases (gnomAD no frequency). This variant has not been reported in the literature in individuals affected with F5-related conditions. Invitae Evidence Modeling of protein sequence and biophysical properties (such as structural, functional, and spatial information, amino acid conservation, physicochemical variation, residue mobility, and thermodynamic stability) indicates that this missense variant is expected to disrupt F5 protein function with a positive predictive value of 95%. In summary, the available evidence is currently insufficient to determine the role of this variant in disease. Therefore, it has been classified as a Variant of Uncertain Significance.

NM_000130.5(F5):c.259G>C (p.Gly87Arg)

Gene: F5 (coagulation factor V; minus strand). Cytogenetic location: 1q24.2.
Variant type: single nucleotide variant.
Coding change: c.259G>C on transcript NM_000130.5 (MANE Select); coding-DNA position 259, G replaced by C.
Protein change: p.Gly87Arg; replaces glycine 87 with arginine.
Molecular consequence: missense variant.
Genome position (GRCh38, 1-based): chr1:169,572,335, C>G on the plus strand (G>C on the coding strand, the complement: F5 is on the minus strand). VCF-style: chr1-169572335-C-G. GRCh37 (hg19) VCF-style: chr1-169541573-C-G.
Other names: short protein forms G87R.
Identifiers: ClinVar variation 4799976 (VCV004799976.1).